The following is an entry in ClinVar:

ClinVar aggregate classification (germline): Pathogenic (1 of 4 stars; one submission).

Submission:

Labcorp Genetics (formerly Invitae), Labcorp
Classification: Pathogenic. Last evaluated: 2025-11-28. Review status: criteria provided, single submitter. Criteria: Invitae Variant Classification Sherloc (09022015). Collection method: clinical testing. Allele origin: germline.
Comment: This sequence change creates a premature translational stop signal (p.Glu606*) in the LOXHD1 gene. It is expected to result in an absent or disrupted protein product. Loss-of-function variants in LOXHD1 are known to be pathogenic (PMID: 19732867, 21465660, 25792669). This variant is not present in population databases (gnomAD no frequency). This variant has not been reported in the literature in individuals affected with LOXHD1-related conditions. ClinVar contains an entry for this variant (Variation ID: 2714543). For these reasons, this variant has been classified as Pathogenic.

Literature cited by the submitters: PubMed 19732867; PubMed 21465660; PubMed 25792669.

NM_001384474.1(LOXHD1):c.1816G>T (p.Glu606Ter)

Gene: LOXHD1 (lipoxygenase homology PLAT domains 1; minus strand). Cytogenetic location: 18q21.1.
Variant type: single nucleotide variant.
Coding change: c.1816G>T on transcript NM_001384474.1 (MANE Select); coding-DNA position 1816, G replaced by T.
Protein change: p.Glu606Ter; replaces glutamic acid 606 with a stop codon.
Molecular consequence: nonsense.
Genome position (GRCh38, 1-based): chr18:46,577,861, C>A on the plus strand (G>T on the coding strand, the complement: LOXHD1 is on the minus strand). VCF-style: chr18-46577861-C-A. GRCh37 (hg19) VCF-style: chr18-44157824-C-A.
Other names: c.1816G>T, p.Glu606Ter (NM_144612.7); short protein forms E606*.
Identifiers: ClinVar variation 2714543 (VCV002714543.3), dbSNP rs1048708341, ClinGen allele CA299800327.
Genomic context (GRCh38, chr18:46,577,861, plus strand): 5'-CATCGTGTCTGATCCTCACCCGCCTCACATTCCGCATGGTGACAGACTCGATAGTGAACT[C>A]GTCAGCCTTGTGGGGGGAAACCACAAGGCCAGTTAGACAGTGGCTACCCCAGGACCCAAA-3'